The following is an entry in ClinVar:

NM_016525.5(UBAP1):c.478G>T (p.Glu160Ter)

Gene: UBAP1 (ubiquitin associated protein 1; plus strand). Cytogenetic location: 9p13.3.
Variant type: single nucleotide variant.
Coding change: c.478G>T on transcript NM_016525.5 (MANE Select); coding-DNA position 478, G replaced by T.
Protein change: p.Glu160Ter; replaces glutamic acid 160 with a stop codon.
Molecular consequence: nonsense. On other transcripts: non-coding transcript variant (1).
Genome position (GRCh38, 1-based): chr9:34,241,503, G>T. VCF-style: chr9-34241503-G-T. GRCh37 (hg19) VCF-style: chr9-34241501-G-T.
Other names: c.670G>T, p.Glu224Ter (NM_001171201.1); c.586G>T, p.Glu196Ter (NM_001171202.1); c.478G>T, p.Glu160Ter (NM_001171203.3, NM_001171204.3); short protein forms E160*, E196*, E224*.
Identifiers: ClinVar variation 4813691 (VCV004813691.1).

ClinVar aggregate classification (germline): Likely pathogenic (1 of 4 stars; one submission).

Conditions:
Spastic paraplegia 80, autosomal dominant. Identifiers: Orphanet 631068, MedGen C5193084, MONDO:0032737, OMIM 618418.

Submission:

Variantyx, Inc.
Classification: Likely pathogenic for Spastic paraplegia 80, autosomal dominant. Last evaluated: 2025-10-23. Review status: criteria provided, single submitter. Criteria: Variantyx Assertion Criteria 2022. Collection method: clinical testing. Allele origin: germline. Inheritance: Autosomal recessive inheritance. Affected: yes.
Comment: This is a nonsense variant in the UBAP1 gene (OMIM: 609787). Pathogenic variants in this gene have been associated with autosomal dominant spastic paraplegia 80. This variant introduces a premature termination codon in exon 4 out of 7 and is expected to result in loss of function, which is a known disease mechanism for UBAP1 in this disorder (PMID: 31515522, 31203368) (PVS1). This variant is absent from control populations (PM2) and has not been reported in individuals with UBAP1-related disorders in the databases available for review. Based on the current evidence, this variant is classified as likely pathogenic for autosomal dominant spastic paraplegia 80.

Literature cited by the submitters: PubMed 31515522; PubMed 31203368.